The following is an entry in ClinVar:

ClinVar aggregate classification (germline): Conflicting classifications of pathogenicity. Review status: criteria provided, conflicting classifications (1 of 4 stars). 5 submissions from 5 submitters: Pathogenic (1); Likely pathogenic (1); Uncertain significance (1). 2 of the submissions do not count toward it. Last evaluated 2025-12-05.

Conditions:
Baraitser-Winter syndrome 1 (BRWS1). Also called: BARAITSER-WINTER SYNDROME 1, ATYPICAL; PACHYGYRIA, MENTAL RETARDATION, EPILEPSY, AND CHARACTERISTIC FACIES; MENTAL RETARDATION WITH EPILEPSY AND CHARACTERISTIC FACIES; Cerebrofrontofacial syndrome. Identifiers: Orphanet 2649, Orphanet 2995, MedGen C1855722, MONDO:0009470, OMIM 243310.
Intellectual disability. Also called: Intellectual developmental disorder; Intellectual functioning disability; intellectual disabilities. Identifiers: MedGen C3714756, MeSH D008607, MONDO:0001071, HP:0001249.

Submissions (5):

Labcorp Genetics (formerly Invitae), Labcorp
Classification: Uncertain significance for Baraitser-Winter syndrome 1. Last evaluated: 2025-12-05. Review status: criteria provided, single submitter. Criteria: Invitae Variant Classification Sherloc (09022015). Collection method: clinical testing. Allele origin: germline.
Comment: This sequence change replaces leucine, which is neutral and non-polar, with phenylalanine, which is neutral and non-polar, at codon 65 of the ACTB protein (p.Leu65Phe). This variant is not present in population databases (gnomAD no frequency). This missense change has been observed in individual(s) with Baraitser-Winter cerebrofrontofacial syndrome or polymicrogyria (PMID: 25052316, 38444904). ClinVar contains an entry for this variant (Variation ID: 127161). Invitae Evidence Modeling of protein sequence and biophysical properties (such as structural, functional, and spatial information, amino acid conservation, physicochemical variation, residue mobility, and thermodynamic stability) has been performed for this missense variant. However, the output from this modeling did not meet the statistical confidence thresholds required to predict the impact of this variant on ACTB protein function. This variant disrupts the p.Leu65 amino acid residue in ACTB. Other variant(s) that disrupt this residue have been determined to be pathogenic (PMID: 22366783). This suggests that this residue is clinically significant, and that variants that disrupt this residue are likely to be disease-causing. In summary, the available evidence is currently insufficient to determine the role of this variant in disease. Therefore, it has been classified as a Variant of Uncertain Significance.

GeneDx
Classification: Pathogenic. Last evaluated: 2024-07-10. Review status: criteria provided, single submitter. Criteria: GeneDx Variant Classification Process June 2021. Collection method: clinical testing. Allele origin: germline. Affected: yes.
Comment: Identified in multiple patients with features of ACTB-related Baraitser-Winter syndrome in published literature and tested at GeneDx, reported de novo with or without confirmed parentage when parental samples were available (PMID: 38444904, 25052316); Missense variants in this gene are a common cause of disease and they are underrepresented in the general population; In silico analysis supports that this missense variant has a deleterious effect on protein structure/function; Not observed at significant frequency in large population cohorts (gnomAD); This variant is associated with the following publications: (PMID: 22366783, 38444904, 25052316)

Foundation for Research in Genetics and Endocrinology, FRIGE's Institute of Human Genetics
Classification: Likely pathogenic for Baraitser-Winter syndrome 1. Last evaluated: 2024-02-12. Review status: criteria provided, single submitter. Criteria: ACMG Guidelines, 2015. Collection method: clinical testing. Allele origin: germline. Inheritance: Autosomal dominant inheritance. Affected: yes. Observed: 1 heterozygote.
Comment: A heterozygous missense variant in exon 3 of the ACTB gene that results in the amino acid substitution of Phenylalanine for Leucine at codon 65 (p.Leu65Phe) was detected. The observed variant and a different missense in the same codon (p.Leu65Val) has previously been reported in patients affected with Baraitser-Winter syndrome [PMID: 25052316, ClinVar: VCV000127161.4]. This variant has not been reported in the 1000 genomes, gnomAD (v3.1), gnomdAD (v2.1) and topmed databases. The in silico prediction of the variant are probably damaging by PolyPhen-2 (HumDiv), SIFT and LRT. The reference codon is conserved across species. In summary, the variant meets our criteria to be classified as a likely pathogenic.

Diagnostic Laboratory, Strasbourg University Hospital
Classification: Pathogenic for Intellectual disability. Last evaluated: 2018-12-01. Review status: no assertion criteria provided. Collection method: clinical testing. Allele origin: de novo. Affected: yes. Observed: 1 heterozygote. Not counted in ClinVar's aggregate classification.

Department of Genetics, Robert DEBRE University Hospital
Classification: Pathogenic for Iris coloboma with ptosis, hypertelorism, and mental retardation. Last evaluated: 2014-04-15. Review status: no assertion criteria provided. Collection method: clinical testing. Allele origin: germline. Affected: yes. Observed: 1 variant allele. Not counted in ClinVar's aggregate classification.

Literature cited by the submitters: PubMed 25052316 (cited by Labcorp Genetics (formerly Invitae), Labcorp and Department of Genetics, Robert DEBRE University Hospital); PubMed 38444904 (cited by Labcorp Genetics (formerly Invitae), Labcorp); PubMed 22366783 (cited by Labcorp Genetics (formerly Invitae), Labcorp).

NM_001101.5(ACTB):c.193C>T (p.Leu65Phe)

Gene: ACTB (actin beta; minus strand). Cytogenetic location: 7p22.1.
Variant type: single nucleotide variant.
Coding change: c.193C>T on transcript NM_001101.5 (MANE Select); coding-DNA position 193, C replaced by T.
Protein change: p.Leu65Phe; replaces leucine 65 with phenylalanine.
Molecular consequence: missense variant.
Genome position (GRCh38, 1-based): chr7:5,529,331, G>A on the plus strand (C>T on the coding strand, the complement: ACTB is on the minus strand). VCF-style: chr7-5529331-G-A. GRCh37 (hg19) VCF-style: chr7-5568962-G-A.
Other names: p.Leu65Phe; c.193C>T (LRG_132t1); short protein forms L65F.
Identifiers: ClinVar variation 127161 (VCV000127161.8), dbSNP rs281875332, ClinGen allele CA213204.